The following is an entry in ClinVar:

NM_032119.4(ADGRV1):c.16331C>A (p.Thr5444Lys)

Gene: ADGRV1 (adhesion G protein-coupled receptor V1; plus strand). Cytogenetic location: 5q14.3.
Variant type: single nucleotide variant.
Coding change: c.16331C>A on transcript NM_032119.4 (MANE Select); coding-DNA position 16331, C replaced by A.
Protein change: p.Thr5444Lys; replaces threonine 5444 with lysine.
Molecular consequence: missense variant. On other transcripts: non-coding transcript variant (1).
Genome position (GRCh38, 1-based): chr5:90,823,559, C>A. VCF-style: chr5-90823559-C-A. GRCh37 (hg19) VCF-style: chr5-90119376-C-A.
Other names: short protein forms T5444K.
Identifiers: ClinVar variation 198666 (VCV000198666.60), dbSNP rs370906851, ClinGen allele CA247452.
Genomic context (GRCh38, chr5:90,823,559, plus strand): 5'-TAAACCTGGTGGAGGAACTTCAGTCTGTGTCAGGGACCACAACCTGTACAATGGGTCAAA[C>A]AAAATGCTTTATCAGCATTGAACTCAAACCAGAAAAGGTAAGAAATGAAGAGACACACTA-3'
Protein context (NP_115495.3, residues 5434-5454): SGTTTCTMGQ[Thr5444Lys]KCFISIELKP

ClinVar aggregate classification (germline): Conflicting classifications of pathogenicity. Review status: criteria provided, conflicting classifications (1 of 4 stars). 10 submissions from 10 submitters: Uncertain significance (9); Likely benign (1). Last evaluated 2026-06-16.

Conditions:
ADGRV1-related disorder. Also called: ADGRV1-related condition; ADGRV1-related disorders.
Retinal dystrophy. Also called: Inherited retinal dystrophy. Identifiers: Orphanet 71862, MedGen C0854723, MeSH D058499, MONDO:0019118, HP:0000556.
Febrile seizures, familial, 4 (FEB4). Also called: CONVULSIONS, FAMILIAL FEBRILE, 4. Identifiers: MedGen C1858493, MONDO:0011443, OMIM 604352.
Usher syndrome type 2C. Also called: Usher syndrome, type 2B; USHER SYNDROME, TYPE IIC. Identifiers: Orphanet 231178, Orphanet 886, MedGen C2931213, MONDO:0011558, OMIM 605472.

Allele frequency attached by ClinVar (database versions not stated): 1000 Genomes Project 30x 0.00016; ESP Exome Variant Server 0.00017; 1000 Genomes Project 0.00020; ExAC 0.00031; gnomAD exomes 0.00034 and 0.00055; gnomAD 0.00038 and 0.00039; TOPMed 0.00039.
gnomAD v4.1: 853 of 1,613,808 alleles (0.053%); highest among the groups gnomAD compares: Non-Finnish European, 0.068%; no homozygotes.

Submissions (10):

PreventionGenetics, part of Exact Sciences
Classification: Uncertain significance for ADGRV1-related condition. Last evaluated: 2026-06-16. Review status: criteria provided, single submitter. Criteria: ACMG Guidelines, 2015. Collection method: clinical testing. Allele origin: germline.
Comment: The ADGRV1 c.16331C>A variant is predicted to result in the amino acid substitution p.Thr5444Lys. This variant was reported in the heterozygous state along with a second potentially causative variant (p.Ile508Leu) in an individual with hearing loss (Table S3, Sloan-Heggen. 2016. PubMed ID: 26969326). This variant is reported in 0.065% of alleles in individuals of European (Non-Finnish) descent in gnomAD. At this time, the clinical significance of this variant is uncertain due to the absence of conclusive functional and genetic evidence.

Labcorp Genetics (formerly Invitae), Labcorp
Classification: Likely benign. Last evaluated: 2026-01-24. Review status: criteria provided, single submitter. Criteria: Invitae Variant Classification Sherloc (09022015). Collection method: clinical testing. Allele origin: germline.

Blueprint Genetics
Classification: Uncertain significance. Last evaluated: 2024-09-08. Review status: criteria provided, single submitter. Criteria: ACMG Guidelines, 2015. Collection method: clinical testing. Allele origin: germline.

GeneDx
Classification: Uncertain significance. Last evaluated: 2024-07-09. Review status: criteria provided, single submitter. Criteria: GeneDx Variant Classification Process June 2021. Collection method: clinical testing. Allele origin: germline. Affected: yes.
Comment: Identified phase unknown with a likely benign variant in a patient with hearing loss in published literature (PMID: 26969326); In silico analysis supports that this missense variant has a deleterious effect on protein structure/function; This variant is associated with the following publications: (PMID: 26969326, 34426522, 37745463, 35813073)

Women's Health and Genetics/Laboratory Corporation of America, LabCorp
Classification: Uncertain significance. Last evaluated: 2022-12-28. Review status: criteria provided, single submitter. Criteria: LabCorp Variant Classification Summary - May 2015. Collection method: clinical testing. Allele origin: germline.
Comment: Variant summary: ADGRV1 c.16331C>A (p.Thr5444Lys) results in a non-conservative amino acid change in the encoded protein sequence. Four of five in-silico tools predict a damaging effect of the variant on protein function. The variant allele was found at a frequency of 0.00034 in 249132 control chromosomes (gnomAD). This frequency is not higher than predicted for a pathogenic variant in ADGRV1 causing Usher Syndrome (0.00034 vs 0.0054), allowing no conclusion about variant significance. c.16331C>A has been reported in the literature in individuals affected with Usher Syndrome/deafness with non-informative genotypes (pathogenicity of the second allele uncertain) (examples: Sloan-Heggen_2016 and Zhou_2022). These report(s) do not provide unequivocal conclusions about association of the variant with Usher Syndrome. To our knowledge, no experimental evidence demonstrating an impact on protein function has been reported. Five clinical diagnostic laboratories have submitted clinical-significance assessments for this variant to ClinVar after 2014 and all classified the variant as uncertain significance. Based on the evidence outlined above, the variant was classified as uncertain significance.

CeGaT Center for Human Genetics Tuebingen
Classification: Uncertain significance. Last evaluated: 2019-01-01. Review status: criteria provided, single submitter. Criteria: CeGaT Center For Human Genetics Tuebingen Variant Classification Criteria Version 2. Collection method: clinical testing. Allele origin: germline. Affected: yes. Observed: 2 variant alleles.

Athena Diagnostics
Classification: Uncertain significance. Last evaluated: 2018-12-29. Review status: criteria provided, single submitter. Criteria: Athena Diagnostics Criteria. Collection method: clinical testing. Allele origin: germline.

Fulgent Genetics
Classification: Uncertain significance for Febrile seizures, familial, 4; Usher syndrome type 2C. Last evaluated: 2018-10-31. Review status: criteria provided, single submitter. Criteria: ACMG Guidelines, 2015. Collection method: clinical testing. Allele origin: unknown.

Institute of Human Genetics, Univ. Regensburg, Univ. Regensburg
Classification: Uncertain significance for Retinal dystrophy. Last evaluated: 2017-01-01. Review status: criteria provided, single submitter. Criteria: ACMG Guidelines, 2015. Collection method: clinical testing. Allele origin: germline. Affected: yes.

Eurofins Ntd Llc (ga)
Classification: Uncertain significance. Last evaluated: 2015-02-03. Review status: criteria provided, single submitter. Criteria: EGL Classification Definitions 2015. Collection method: clinical testing. Allele origin: germline. Observed: 2 variant alleles, 2 heterozygotes.

Literature cited by the submitters: PubMed 26969326 (cited by Women's Health and Genetics/Laboratory Corporation of America, LabCorp and Institute of Human Genetics, Univ. Regensburg, Univ. Regensburg); PubMed 35813073 (cited by Women's Health and Genetics/Laboratory Corporation of America, LabCorp); PubMed 23934111 (cited by Women's Health and Genetics/Laboratory Corporation of America, LabCorp); PubMed 3442652 (cited by Institute of Human Genetics, Univ. Regensburg, Univ. Regensburg).